The following is an entry in ClinVar:

ClinVar aggregate classification (germline): Uncertain significance (1 of 4 stars; one submission).

Conditions:
Androgen resistance syndrome (AIS). Also called: Androgen insensitivity, complete; ANDROGEN RECEPTOR DEFICIENCY; DIHYDROTESTOSTERONE RECEPTOR DEFICIENCY; Androgen insensitivity syndrome due to coactivator deficiency; Androgen insensitivity; TESTICULAR FEMINIZATION SYNDROME. Identifiers: Orphanet 754, Orphanet 99429, MedGen C0039585, MONDO:0019154, OMIM 300068. Disease mechanism: loss of function.

Submission:

Neuberg Centre For Genomic Medicine, NCGM
Classification: Uncertain significance for Androgen resistance syndrome. Review status: criteria provided, single submitter. Criteria: ACMG Guidelines, 2015. Collection method: clinical testing. Allele origin: germline. Affected: yes.
Comment: The missense variant p.S909F in AR (NM_000044.6) has not been reported previously as a pathogenic variant nor as a benign variant, to our knowledge. The p.S909F variant is novel (not in any individuals) in gnomAD Exomes and is novel (not in any individuals) in 1000 Genomes. There is a large physicochemical difference between serine and phenylalanine, which is likely to impact secondary protein structure as these residues differ in polarity, charge, size and/or other properties. The p.S909F missense variant is predicted to be damaging by both SIFT and PolyPhen2. The serine residue at codon 909 of AR is conserved in all mammalian species. The nucleotide c.2726 in AR is predicted conserved by GERP++ and PhyloP across 100 vertebrates. For these reasons, this variant has been classified as Uncertain Significance.

NM_000044.6(AR):c.2726C>T (p.Ser909Phe)

Gene: AR (androgen receptor; plus strand). Cytogenetic location: Xq12.
Variant type: single nucleotide variant.
Coding change: c.2726C>T on transcript NM_000044.6 (MANE Select); coding-DNA position 2726, C replaced by T.
Protein change: p.Ser909Phe; replaces serine 909 with phenylalanine.
Molecular consequence: missense variant.
Genome position (GRCh38, 1-based): chrX:67,723,804, C>T. VCF-style: chrX-67723804-C-T. GRCh37 (hg19) VCF-style: chrX-66943646-C-T.
Other names: c.1130C>T, p.Ser377Phe (NM_001011645.3); short protein forms S377F, S909F.
Identifiers: ClinVar variation 1339160 (VCV001339160.2), dbSNP rs2147540747, ClinGen allele CA413428424.